The following is an entry in ClinVar:

ClinVar aggregate classification (germline): Likely benign. Review status: criteria provided, multiple submitters, no conflicts (2 of 4 stars). 2 submissions from 2 submitters: Likely benign (2). Last evaluated 2018-06-16.

Allele frequency attached by ClinVar (database versions not stated): gnomAD 0.00690 and 0.00739; TOPMed 0.00816; 1000 Genomes Project 0.00839; 1000 Genomes Project 30x 0.00984.
gnomAD v4.1: 1,042 of 152,322 alleles (0.68%); highest among the groups gnomAD compares: African/African-American, 2.3%; 17 homozygotes.

Submissions (2):

GeneDx
Classification: Likely benign. Last evaluated: 2018-06-16. Review status: criteria provided, single submitter. Criteria: GeneDx Variant Classification (06012015). Collection method: clinical testing. Allele origin: germline. Affected: yes.
Comment: This variant is considered likely benign or benign based on one or more of the following criteria: it is a conservative change, it occurs at a poorly conserved position in the protein, it is predicted to be benign by multiple in silico algorithms, and/or has population frequency not consistent with disease.

Breakthrough Genomics
Classification: Likely benign. Review status: criteria provided, single submitter. Criteria: ACMG Guidelines, 2015. Collection method: not provided. Allele origin: germline. Inheritance: Autosomal recessive inheritance. Affected: yes.

NM_001079802.2(FKTN):c.106-169A>G

Gene: FKTN (fukutin; plus strand). Cytogenetic location: 9q31.2.
Variant type: single nucleotide variant.
Coding change: c.106-169A>G on transcript NM_001079802.2 (MANE Select); 169 bases into the intron before coding-DNA position 106, A replaced by G.
Molecular consequence: intron variant.
Genome position (GRCh38, 1-based): chr9:105,596,429, A>G. VCF-style: chr9-105596429-A-G. GRCh37 (hg19) VCF-style: chr9-108358710-A-G.
Other names: c.106-169A>G (NM_006731.2, NM_001351496.2, NM_001198963.2 and 1 more transcripts); c.-409-169A>G (NM_001351502.2, NM_001351499.2, NM_001351500.2 and 1 more transcripts); c.-62-169A>G (NM_001351497.2).
Identifiers: ClinVar variation 675669 (VCV000675669.2), dbSNP rs112290608, ClinGen allele CA197430548.
Genomic context (GRCh38, chr9:105,596,429, plus strand): 5'-ATTTAATAACTTAATTAACTTACTACAAATCTATCGATGTTTTCCATCTTGGATTTTTAT[A>G]TCATAAAAATGTAGAATTCTTAGCTCATGACTATATGAAAAATAGATATTTGATAATGCT-3'